The following is an entry in ClinVar:

NM_000038.6(APC):c.4990T>A (p.Ser1664Thr)

Gene: APC (APC regulator of Wnt signaling pathway; plus strand). Cytogenetic location: 5q22.2.
Variant type: single nucleotide variant.
Coding change: c.4990T>A on transcript NM_000038.6 (MANE Select); coding-DNA position 4990, T replaced by A.
Protein change: p.Ser1664Thr; replaces serine 1664 with threonine.
Molecular consequence: missense variant. On other transcripts: non-coding transcript variant (2).
Genome position (GRCh38, 1-based): chr5:112,840,584, T>A. VCF-style: chr5-112840584-T-A. GRCh37 (hg19) VCF-style: chr5-112176281-T-A.
Other names: c.4990T>A, p.Ser1664Thr (NM_001127510.3, NM_001354895.2, NM_001407450.1); c.4936T>A, p.Ser1646Thr (NM_001127511.3); c.5044T>A, p.Ser1682Thr (NM_001354896.2, NM_001407447.1, NM_001407448.1 and 1 more transcripts); c.5020T>A, p.Ser1674Thr (NM_001354897.2); c.4915T>A, p.Ser1639Thr (NM_001354898.2); c.4906T>A, p.Ser1636Thr (NM_001354899.2); c.4867T>A, p.Ser1623Thr (NM_001354900.2); c.4813T>A, p.Ser1605Thr (NM_001354901.2, NM_001407453.1); and 11 more; short protein forms S1381T, S1538T, S1605T, S1636T, S1646T, S1280T, S1504T, S1535T.
Identifiers: ClinVar variation 3635478 (VCV003635478.2).
Genomic context (GRCh38, chr5:112,840,584, plus strand): 5'-GTTGAAGGGACACCTATAAACTTTTCCACAGCTACATCTCTAAGTGATCTAACAATCGAA[T>A]CCCCTCCAAATGAGTTAGCTGCTGGAGAAGGAGTTAGAGGAGGGGCACAGTCAGGTGAAT-3'
Protein context (NP_000029.2, residues 1654-1674): ATSLSDLTIE[Ser1664Thr]PPNELAAGEG

ClinVar aggregate classification (germline): Uncertain significance (1 of 4 stars; one submission).

Conditions:
Familial adenomatous polyposis 1 (FAP1). Also called: FAMILIAL ADENOMATOUS POLYPOSIS 1, ATTENUATED; POLYPOSIS, ADENOMATOUS INTESTINAL. Identifiers: MedGen C2713442, MONDO:0021056, OMIM 175100. Disease mechanism: loss of function.

Submission:

Labcorp Genetics (formerly Invitae), Labcorp
Classification: Uncertain significance for Familial adenomatous polyposis 1. Last evaluated: 2024-05-14. Review status: criteria provided, single submitter. Criteria: Invitae Variant Classification Sherloc (09022015). Collection method: clinical testing. Allele origin: germline.
Comment: This sequence change replaces serine, which is neutral and polar, with threonine, which is neutral and polar, at codon 1664 of the APC protein (p.Ser1664Thr). This variant is not present in population databases (gnomAD no frequency). This variant has not been reported in the literature in individuals affected with APC-related conditions. Advanced modeling of protein sequence and biophysical properties (such as structural, functional, and spatial information, amino acid conservation, physicochemical variation, residue mobility, and thermodynamic stability) performed at Invitae indicates that this missense variant is not expected to disrupt APC protein function with a negative predictive value of 95%. In summary, the available evidence is currently insufficient to determine the role of this variant in disease. Therefore, it has been classified as a Variant of Uncertain Significance.